The following is an entry in ClinVar:

NM_003737.4(DCHS1):c.2261C>A (p.Ser754Tyr)

Gene: DCHS1 (dachsous cadherin-related 1; minus strand). Cytogenetic location: 11p15.4.
Variant type: single nucleotide variant.
Coding change: c.2261C>A on transcript NM_003737.4 (MANE Select); coding-DNA position 2261, C replaced by A.
Protein change: p.Ser754Tyr; replaces serine 754 with tyrosine.
Molecular consequence: missense variant.
Genome position (GRCh38, 1-based): chr11:6,633,606, G>T on the plus strand (C>A on the coding strand, the complement: DCHS1 is on the minus strand). VCF-style: chr11-6633606-G-T. GRCh37 (hg19) VCF-style: chr11-6654837-G-T.
Other names: short protein forms S754Y.
Identifiers: ClinVar variation 2958213 (VCV002958213.3), dbSNP rs1421629869, ClinGen allele CA379422719.

ClinVar aggregate classification (germline): Uncertain significance (1 of 4 stars; one submission).

Allele frequency attached by ClinVar (database versions not stated): gnomAD 0.00002; gnomAD exomes 0.00001; TOPMed 0.00001.
gnomAD v4.1: 13 of 1,599,050 alleles (0.00081%); highest among the groups gnomAD compares: Middle Eastern, 0.016%; no homozygotes.

Submission:

Labcorp Genetics (formerly Invitae), Labcorp
Classification: Uncertain significance. Last evaluated: 2025-09-29. Review status: criteria provided, single submitter. Criteria: Invitae Variant Classification Sherloc (09022015). Collection method: clinical testing. Allele origin: germline.
Comment: This sequence change replaces serine, which is neutral and polar, with tyrosine, which is neutral and polar, at codon 754 of the DCHS1 protein (p.Ser754Tyr). This variant is present in population databases (no rsID available, gnomAD 0.005%). This variant has not been reported in the literature in individuals affected with DCHS1-related conditions. ClinVar contains an entry for this variant (Variation ID: 2958213). Invitae Evidence Modeling of protein sequence and biophysical properties (such as structural, functional, and spatial information, amino acid conservation, physicochemical variation, residue mobility, and thermodynamic stability) indicates that this missense variant is expected to disrupt DCHS1 protein function with a positive predictive value of 80%. In summary, the available evidence is currently insufficient to determine the role of this variant in disease. Therefore, it has been classified as a Variant of Uncertain Significance.